The following is an entry in ClinVar:

NM_000289.6(PFKM):c.779_783delinsC (p.Ile260fs)

Gene: PFKM (phosphofructokinase, muscle; plus strand). Cytogenetic location: 12q13.11.
Variant type: Indel.
Coding change: c.779_783delinsC on transcript NM_000289.6 (MANE Select); coding-DNA positions 779 to 783, TCATT replaced by C.
Protein change: p.Ile260fs; shifts the reading frame from isoleucine 260.
Molecular consequence: frameshift variant. On other transcripts: non-coding transcript variant (6).
Genome position (GRCh38, 1-based): chr12:48,134,974-48,134,978, TCATT replaced by C. VCF-style: chr12-48134974-TCATT-C. GRCh37 (hg19) VCF-style: chr12-48528757-TCATT-C.
Other names: c.992_996delinsC, p.Ile331fs (NM_001166686.2, NM_001354737.1, NM_001354738.1 and 1 more transcripts); c.779_783delinsC, p.Ile260fs (NM_001166687.2, NM_001166688.2, NM_001354742.2 and 4 more transcripts); c.1088_1092delinsC, p.Ile363fs (NM_001354735.1, NM_001354736.1); c.923_927delinsC, p.Ile308fs (NM_001354740.1); c.803_807delinsC, p.Ile268fs (NM_001354741.2); c.692_696delinsC, p.Ile231fs (NM_001354745.2); c.629_633delinsC, p.Ile210fs (NM_001354747.2, NM_001354748.2); c.779_783delTCATTinsC (NM_000289.5); short protein forms I210fs, I231fs, I260fs, I268fs, I308fs, I331fs, I363fs.
Identifiers: ClinVar variation 2677740 (VCV002677740.4), dbSNP rs1343104321, ClinGen allele CA2695199073.

ClinVar aggregate classification (germline): Likely pathogenic. Review status: criteria provided, multiple submitters, no conflicts (2 of 4 stars). 2 submissions from 2 submitters: Likely pathogenic (2). Last evaluated 2024-05-10.

Conditions:
Glycogen storage disease, type VII (GSD7). Also called: GSD VII; MUSCLE PHOSPHOFRUCTOKINASE DEFICIENCY; PFKM DEFICIENCY; TARUI DISEASE. Identifiers: Orphanet 371, MedGen C0017926, MONDO:0009295, OMIM 232800.

Submissions (2):

Natera, Inc.
Classification: Likely pathogenic for Glycogen storage disease type VII. Last evaluated: 2024-05-10. Review status: criteria provided, single submitter. Criteria: Natera Variant Classification Schema (03/2026). Collection method: clinical testing. Allele origin: germline.
Comment: The c.779_783delTCATTinsC variant in PFKM is a frameshift variant predicted to shift the reading frame beginning at codon 260 and leads to a stop codon 61 codons downstream. This variant is expected to result in nonsense mediated decay, truncation, or a dysfunctional protein product. This variant is rare in the general population with a frequency below the threshold expected for the associated phenotype(s). Given the available evidence, this variant is classified as Likely Pathogenic.

Fulgent Genetics
Classification: Likely pathogenic for Glycogen storage disease, type VII. Last evaluated: 2023-12-22. Review status: criteria provided, single submitter. Criteria: ACMG Guidelines, 2015. Collection method: clinical testing. Allele origin: germline.